The following is an entry in ClinVar:

ClinVar aggregate classification (germline): Uncertain significance (0 of 4 stars; one submission).

Conditions:
DROSHA-related disorder. Also called: DROSHA-related condition.

gnomAD v4.1: 29 of 1,613,648 alleles (0.0018%); highest among the groups gnomAD compares: African/African-American, 0.017%; no homozygotes.

Submission:

PreventionGenetics, part of Exact Sciences
Classification: Uncertain significance for DROSHA-related condition. Last evaluated: 2024-06-21. Review status: no assertion criteria provided. Collection method: clinical testing. Allele origin: germline.
Comment: The DROSHA c.761G>A variant is predicted to result in the amino acid substitution p.Arg254His. To our knowledge, this variant has not been reported in the literature. This variant is reported in 0.025% of alleles in individuals of African descent in gnomAD. At this time, the clinical significance of this variant is uncertain due to the absence of conclusive functional and genetic evidence.

NM_001382508.1(DROSHA):c.761G>A (p.Arg254His)

Gene: DROSHA (drosha ribonuclease III; minus strand). Cytogenetic location: 5p13.3.
Variant type: single nucleotide variant.
Coding change: c.761G>A on transcript NM_001382508.1 (MANE Select); coding-DNA position 761, G replaced by A.
Protein change: p.Arg254His; replaces arginine 254 with histidine.
Molecular consequence: missense variant.
Genome position (GRCh38, 1-based): chr5:31,526,172, C>T on the plus strand (G>A on the coding strand, the complement: DROSHA is on the minus strand). VCF-style: chr5-31526172-C-T. GRCh37 (hg19) VCF-style: chr5-31526279-C-T.
Other names: c.761G>A, p.Arg254His (NM_001100412.2, NM_013235.5); short protein forms R254H.
Identifiers: ClinVar variation 3351114 (VCV003351114.1).